The following is an entry in ClinVar:

ClinVar aggregate classification (germline): Uncertain significance (1 of 4 stars; one submission).

Conditions:
Hyperaldosteronism, familial, type IV (HALD4). Also called: FH IV; ALDOSTERONISM, PRIMARY, AND HYPERTENSION. Identifiers: Orphanet 642671, MedGen C4310756, MONDO:0014875, OMIM 617027.
Idiopathic generalized epilepsy. Also called: EIG; Generalised epilepsy. Identifiers: MedGen C0270850, MONDO:0005579, OMIM 600669.

Submission:

Labcorp Genetics (formerly Invitae), Labcorp
Classification: Uncertain significance for Idiopathic generalized epilepsy; Hyperaldosteronism, familial, type IV. Last evaluated: 2025-09-10. Review status: criteria provided, single submitter. Criteria: Invitae Variant Classification Sherloc (09022015). Collection method: clinical testing. Allele origin: germline.
Comment: This variant, c.4775_4777del, is a complex sequence change that results in the deletion of 2 and insertion of 1 amino acid(s) in the CACNA1H protein (p.Pro1592_Glu1593delinsGln). This variant is present in population databases (no rsID available, gnomAD 0.006%). This variant has not been reported in the literature in individuals affected with CACNA1H-related conditions. Experimental studies and prediction algorithms are not available or were not evaluated, and the functional significance of this variant is currently unknown. Algorithms developed to predict the effect of sequence changes on RNA splicing suggest that this variant may disrupt the consensus splice site. In summary, the available evidence is currently insufficient to determine the role of this variant in disease. Therefore, it has been classified as a Variant of Uncertain Significance.

NM_021098.3(CACNA1H):c.4775_4777del (p.Pro1592_Glu1593delinsGln)

Gene: CACNA1H (calcium voltage-gated channel subunit alpha1 H; plus strand). Cytogenetic location: 16p13.3.
Variant type: Deletion.
Coding change: c.4775_4777del on transcript NM_021098.3 (MANE Select); coding-DNA positions 4775 to 4777, 3 bases deleted (CAG; older notation c.4775_4777delCAG).
Protein change: p.Pro1592_Glu1593delinsGln.
Molecular consequence: inframe indel. On other transcripts: intron variant (1).
Genome position (GRCh38, 1-based): chr16:1,212,526-1,212,528, CAG deleted. VCF-style (leftmost placement, unchanged base first): chr16-1212525-CCAG-C. GRCh37 (hg19) VCF-style: chr16-1262525-CCAG-C.
Other names: c.4759+388_4759+390del (NM_001005407.2).
Identifiers: ClinVar variation 4790767 (VCV004790767.1).